The following is an entry in ClinVar:

NC_012920.1(MT-TC):m.5794T>C

Gene: MT-TC (mitochondrially encoded tRNA cysteine; minus strand).
Variant type: single nucleotide variant.
Genome position: chrM-5794-T-C.
Identifiers: ClinVar variation 689994 (VCV000689994.1), dbSNP rs1556423035, ClinGen allele CA913180479.

ClinVar aggregate classification (germline): Benign (1 of 4 stars; one submission).

Conditions:
MELAS syndrome (MELAS). Also called: Juvenile myopathy, encephalopathy, lactic acidosis, stroke. Identifiers: Orphanet 550, MedGen C0162671, MONDO:0010789, OMIM 540000.

Submission:

Wong Mito Lab, Molecular and Human Genetics, Baylor College of Medicine
Classification: Benign for MELAS syndrome. Last evaluated: 2019-07-12. Review status: criteria provided, single submitter. Criteria: Modified ACMG Guidelines (Unpublished). Collection method: clinical testing. Allele origin: germline.
Comment: The NC_012920.1:m.5794T>C variant in MT-TC gene is interpreted to be a Benign variant based on the modified ACMG guidelines (unpublished). This variant meets the following evidence codes reported in the guidelines: BS1, BS4, BP4

Literature cited by the submitters: PubMed 31965079.